The following is an entry in ClinVar:

ClinVar aggregate classification (germline): Conflicting classifications of pathogenicity. Review status: criteria provided, conflicting classifications (1 of 4 stars). 3 submissions from 3 submitters: Uncertain significance (2); Likely benign (1). Last evaluated 2024-08-28.

Conditions:
Inborn genetic diseases. Identifiers: MedGen C0950123, MeSH D030342.
Charcot-Marie-Tooth disease dominant intermediate E. Also called: CHARCOT-MARIE-TOOTH NEUROPATHY WITH FOCAL SEGMENTAL GLOMERULONEPHRITIS. Identifiers: Orphanet 93114, MedGen C4302667, MONDO:0013758, OMIM 614455.
Focal segmental glomerulosclerosis 5 (FSGS5). Identifiers: Orphanet 656, MedGen C2750475, MONDO:0013191, OMIM 613237.

Allele frequency attached by ClinVar (database versions not stated): gnomAD exomes below 0.00001 and 0.00001; ExAC 0.00001; gnomAD 0.00001; TOPMed 0.00001; 1000 Genomes Project 30x 0.00016; 1000 Genomes Project 0.00020.
gnomAD v4.1: 11 of 1,612,516 alleles (0.00068%); highest among the groups gnomAD compares: East Asian, 0.0022%; no homozygotes.

Submissions (3):

Ambry Genetics
Classification: Likely benign for Inborn genetic diseases. Last evaluated: 2024-08-28. Review status: criteria provided, single submitter. Criteria: Ambry Variant Classification Scheme 2023. Collection method: clinical testing. Allele origin: germline.

Labcorp Genetics (formerly Invitae), Labcorp
Classification: Uncertain significance for Charcot-Marie-Tooth disease dominant intermediate E; Focal segmental glomerulosclerosis 5. Last evaluated: 2023-10-03. Review status: criteria provided, single submitter. Criteria: Invitae Variant Classification Sherloc (09022015). Collection method: clinical testing. Allele origin: germline.
Comment: This sequence change replaces alanine, which is neutral and non-polar, with threonine, which is neutral and polar, at codon 592 of the INF2 protein (p.Ala592Thr). This variant is present in population databases (rs530285485, gnomAD 0.0009%). This variant has not been reported in the literature in individuals affected with INF2-related conditions. ClinVar contains an entry for this variant (Variation ID: 1315296). Advanced modeling of protein sequence and biophysical properties (such as structural, functional, and spatial information, amino acid conservation, physicochemical variation, residue mobility, and thermodynamic stability) performed at Invitae indicates that this missense variant is not expected to disrupt INF2 protein function. In summary, the available evidence is currently insufficient to determine the role of this variant in disease. Therefore, it has been classified as a Variant of Uncertain Significance.

GeneDx
Classification: Uncertain significance. Last evaluated: 2020-04-07. Review status: criteria provided, single submitter. Criteria: GeneDx Variant Classification Process June 2021. Collection method: clinical testing. Allele origin: germline. Affected: yes.
Comment: Not observed at a significant frequency in large population cohorts (Lek et al., 2016); In silico analysis supports that this missense variant does not alter protein structure/function; Has not been previously published as pathogenic or benign to our knowledge

NM_022489.4(INF2):c.1774G>A (p.Ala592Thr)

Gene: INF2 (inverted formin 2; plus strand). Cytogenetic location: 14q32.33.
Variant type: single nucleotide variant.
Coding change: c.1774G>A on transcript NM_022489.4 (MANE Select); coding-DNA position 1774, G replaced by A.
Protein change: p.Ala592Thr; replaces alanine 592 with threonine.
Molecular consequence: missense variant.
Genome position (GRCh38, 1-based): chr14:104,708,474, G>A. VCF-style: chr14-104708474-G-A. GRCh37 (hg19) VCF-style: chr14-105174811-G-A.
Other names: c.1774G>A, p.Ala592Thr (NM_001031714.4); short protein forms A592T.
Identifiers: ClinVar variation 1315296 (VCV001315296.7), dbSNP rs530285485, ClinGen allele CA7372669.